The following is an entry in ClinVar:

NM_021098.3(CACNA1H):c.4038+6G>C

Gene: CACNA1H (calcium voltage-gated channel subunit alpha1 H; plus strand). Cytogenetic location: 16p13.3.
Variant type: single nucleotide variant.
Coding change: c.4038+6G>C on transcript NM_021098.3 (MANE Select); 6 bases into the intron after coding-DNA position 4038, G replaced by C.
Molecular consequence: intron variant.
Genome position (GRCh38, 1-based): chr16:1,210,657, G>C. VCF-style: chr16-1210657-G-C. GRCh37 (hg19) VCF-style: chr16-1260657-G-C.
Other names: c.4038+6G>C (NM_001005407.2).
Identifiers: ClinVar variation 939380 (VCV000939380.9), dbSNP rs112068805, ClinGen allele CA1139663443.
Genomic context (GRCh38, chr16:1,210,657, plus strand): 5'-CAGCGTCTCCAATTACATCTTCACGGCCATCTTCGTGGCGGAGATGATGGTGAAGGTACC[G>C]CGGGGCCCGGGGACTGCCCTTGTTCCCAGGTCCCCGTTCTGCCCTCATCCCCACCCCCAC-3'

ClinVar aggregate classification (germline): Uncertain significance (1 of 4 stars; one submission).

Conditions:
Idiopathic generalized epilepsy. Also called: Generalised epilepsy; EIG. Identifiers: MedGen C0270850, MONDO:0005579, OMIM 600669.
Hyperaldosteronism, familial, type IV (HALD4). Also called: FH IV; ALDOSTERONISM, PRIMARY, AND HYPERTENSION. Identifiers: Orphanet 642671, MedGen C4310756, MONDO:0014875, OMIM 617027.

Allele frequency attached by ClinVar (database versions not stated): TOPMed below 0.00001.
gnomAD v4.1: 9 of 1,601,486 alleles (0.00056%); highest among the groups gnomAD compares: Non-Finnish European, 0.00068%; no homozygotes.

Submission:

Labcorp Genetics (formerly Invitae), Labcorp
Classification: Uncertain significance for Idiopathic generalized epilepsy; Hyperaldosteronism, familial, type IV. Last evaluated: 2025-08-20. Review status: criteria provided, single submitter. Criteria: Invitae Variant Classification Sherloc (09022015). Collection method: clinical testing. Allele origin: germline.
Comment: This sequence change falls in intron 20 of the CACNA1H gene. It does not directly change the encoded amino acid sequence of the CACNA1H protein. It affects a nucleotide within the consensus splice site. This variant is not present in population databases (gnomAD no frequency). This variant has not been reported in the literature in individuals affected with CACNA1H-related conditions. ClinVar contains an entry for this variant (Variation ID: 939380). Variants that disrupt the consensus splice site are a relatively common cause of aberrant splicing (PMID: 17576681, 9536098). Algorithms developed to predict the effect of sequence changes on RNA splicing suggest that this variant is not likely to affect RNA splicing. In summary, the available evidence is currently insufficient to determine the role of this variant in disease. Therefore, it has been classified as a Variant of Uncertain Significance.

Literature cited by the submitters: PubMed 17576681; PubMed 9536098.